The following is an entry in ClinVar:

ClinVar aggregate classification (germline): Likely pathogenic (1 of 4 stars; one submission).

Conditions:
Peroxisome biogenesis disorder. Identifiers: Orphanet 79189, MedGen C1832200, MONDO:0019234. Disease mechanism: loss of function.

Submission:

Myriad Genetics, Inc.
Classification: Likely pathogenic for Peroxisome biogenesis disorder. Last evaluated: 2022-03-15. Review status: criteria provided, single submitter. Criteria: Myriad Autosomal Dominant, Autosomal Recessive and X-Linked Classification Criteria (2023). Collection method: clinical testing. Allele origin: unknown.
Comment: NM_000466.2(PEX1):c.3043_3044delGA(E1015Nfs*7) is expected to be pathogenic in the context of peroxisome biogenesis disorder type 1. This variant is predicted to lead to an abnormal or absent protein product due to the creation of a premature termination codon in PEX1, a gene where loss-of-function variants are known to be pathogenic. Please note: this variant was assessed in the context of healthy population screening.

NM_000466.3(PEX1):c.3043_3044del (p.Glu1015fs)

Genes: GATAD1 (GATA zinc finger domain containing 1; plus strand), PEX1 (peroxisomal biogenesis factor 1; minus strand). Cytogenetic location: 7q21.2.
Variant type: Deletion.
Coding change: c.3043_3044del on transcript NM_000466.3 (MANE Select); coding-DNA positions 3043 to 3044, 2 bases deleted (GA; older notation c.3043_3044delGA).
Protein change: p.Glu1015fs; shifts the reading frame from glutamic acid 1015.
Molecular consequence: frameshift variant.
Genome position (GRCh38, 1-based): chr7:92,493,116-92,493,117, TC deleted on the plus strand (GA on the coding strand, the reverse complement: PEX1 is on the minus strand). VCF-style (leftmost placement, unchanged base first): chr7-92493115-TTC-T. GRCh37 (hg19) VCF-style: chr7-92122429-TTC-T.
Other names: c.2872_2873del, p.Glu958fs (NM_001282677.2); c.2419_2420del, p.Glu807fs (NM_001282678.2); short protein forms E1015fs, E807fs, E958fs.
Identifiers: ClinVar variation 1725277 (VCV001725277.3), dbSNP rs2484629457, ClinGen allele CA2580077511.